The following is an entry in ClinVar:

ClinVar aggregate classification (germline): Uncertain significance (1 of 4 stars; one submission).

gnomAD v4.1: 1 of 1,613,720 alleles (0.000062%); highest among the groups gnomAD compares: African/African-American, 0.0013%; no homozygotes.

Submission:

GeneDx
Classification: Uncertain significance. Last evaluated: 2024-06-21. Review status: criteria provided, single submitter. Criteria: GeneDx Variant Classification Process June 2021. Collection method: clinical testing. Allele origin: germline. Affected: yes.
Comment: Not observed at significant frequency in large population cohorts (gnomAD); In silico analysis indicates that this missense variant does not alter protein structure/function; Has not been previously published as pathogenic or benign to our knowledge

NM_001378120.1(MBD5):c.2611G>C (p.Val871Leu)

Gene: MBD5 (methyl-CpG binding domain protein 5; plus strand). Cytogenetic location: 2q23.1.
Variant type: single nucleotide variant.
Coding change: c.2611G>C on transcript NM_001378120.1 (MANE Select); coding-DNA position 2611, G replaced by C.
Protein change: p.Val871Leu; replaces valine 871 with leucine.
Molecular consequence: missense variant.
Genome position (GRCh38, 1-based): chr2:148,483,202, G>C. VCF-style: chr2-148483202-G-C. GRCh37 (hg19) VCF-style: chr2-149240771-G-C.
Other names: c.2611G>C, p.Val871Leu (NM_018328.5); short protein forms V871L.
Identifiers: ClinVar variation 3391708 (VCV003391708.1).